The following is an entry in ClinVar:

ClinVar aggregate classification (germline): Uncertain significance. Review status: criteria provided, multiple submitters, no conflicts (2 of 4 stars). 4 submissions from 4 submitters: Uncertain significance (3). 1 of the submissions does not count toward it. Last evaluated 2023-01-11.

Conditions:
3-methylcrotonyl-CoA carboxylase 1 deficiency (MCC1D). Also called: MCCD TYPE 1; METHYLCROTONYLGLYCINURIA TYPE I; MCC 1 deficiency; 3 Alpha methylcrotonylglycinuria 1. Identifiers: Orphanet 6, MedGen CN028786, MONDO:0008861, OMIM 210200.

Allele frequency attached by ClinVar (database versions not stated): TOPMed 0.00001; gnomAD exomes 0.00002 and 0.00004; gnomAD 0.00003.
gnomAD v4.1: 54 of 1,614,104 alleles (0.0033%); highest among the groups gnomAD compares: Admixed American, 0.005%; no homozygotes.

Submissions (4):

Women's Health and Genetics/Laboratory Corporation of America, LabCorp
Classification: Uncertain significance. Last evaluated: 2023-01-11. Review status: criteria provided, single submitter. Criteria: LabCorp Variant Classification Summary - May 2015. Collection method: clinical testing. Allele origin: germline.
Comment: Variant summary: MCCC1 c.559T>C (p.Ser187Pro) results in a non-conservative amino acid change located in the Carbamoyl-phosphate synthetase large subunit-like, ATP-binding domain (IPR005479) of the encoded protein sequence. Five of five in-silico tools predict a damaging effect of the variant on protein function. The variant allele was found at a frequency of 2.4e-05 in 251440 control chromosomes. The available data on variant occurrences in the general population are insufficient to allow any conclusion about variant significance. c.559T>C has been reported in the literature as a presumably compound heterozygous genotype in at-least one reportedly asymptomatic individual in settings of newborn screening (NBS) for Methylcrotonyl-CoA Carboxylase Deficiency and as a carrier genotype in another newborn screening case (example, Dantas_2005, cited in Grunert_2012, Navarrete_2019). These report(s) do not provide unequivocal conclusions about association of the variant with Methylcrotonyl-CoA Carboxylase Deficiency. To our knowledge, no experimental evidence demonstrating an impact on protein function has been reported. Four clinical diagnostic laboratories have submitted clinical-significance assessments for this variant to ClinVar after 2014 without evidence for independent evaluation. All laboratories classified the variant as uncertain significance. Based on the evidence outlined above, the variant was classified as uncertain significance.

Labcorp Genetics (formerly Invitae), Labcorp
Classification: Uncertain significance for 3-methylcrotonyl-CoA carboxylase 1 deficiency. Last evaluated: 2022-08-19. Review status: criteria provided, single submitter. Criteria: Invitae Variant Classification Sherloc (09022015). Collection method: clinical testing. Allele origin: germline.
Comment: This sequence change replaces serine, which is neutral and polar, with proline, which is neutral and non-polar, at codon 187 of the MCCC1 protein (p.Ser187Pro). This variant is present in population databases (rs757362635, gnomAD 0.006%). This missense change has been observed in individual(s) with 3-methylcrotonyl-CoA carboxylase deficiency (PMID: 16010683). ClinVar contains an entry for this variant (Variation ID: 579181). Algorithms developed to predict the effect of missense changes on protein structure and function are either unavailable or do not agree on the potential impact of this missense change (SIFT: "Tolerated"; PolyPhen-2: "Probably Damaging"; Align-GVGD: "Class C0"). In summary, the available evidence is currently insufficient to determine the role of this variant in disease. Therefore, it has been classified as a Variant of Uncertain Significance.

Eurofins Ntd Llc (ga)
Classification: Uncertain significance. Last evaluated: 2017-11-16. Review status: criteria provided, single submitter. Criteria: EGL Classification Definitions 2015. Collection method: clinical testing. Allele origin: germline. Observed: 2 variant alleles, 2 heterozygotes.

Natera, Inc.
Classification: Uncertain significance for 3-methylcrotonyl-CoA carboxylase 1 deficiency. Last evaluated: 2020-08-30. Review status: no assertion criteria provided. Collection method: clinical testing. Allele origin: germline. Not counted in ClinVar's aggregate classification.

Literature cited by the submitters: PubMed 22642865 (cited by Women's Health and Genetics/Laboratory Corporation of America, LabCorp); PubMed 16835865 (cited by Women's Health and Genetics/Laboratory Corporation of America, LabCorp); PubMed 30626930 (cited by Women's Health and Genetics/Laboratory Corporation of America, LabCorp); PubMed 16010683 (cited by Women's Health and Genetics/Laboratory Corporation of America, LabCorp and Labcorp Genetics (formerly Invitae), Labcorp).

NM_020166.5(MCCC1):c.559T>C (p.Ser187Pro)

Gene: MCCC1 (methylcrotonyl-CoA carboxylase subunit 1; minus strand). Cytogenetic location: 3q27.1.
Variant type: single nucleotide variant.
Coding change: c.559T>C on transcript NM_020166.5 (MANE Select); coding-DNA position 559, T replaced by C.
Protein change: p.Ser187Pro; replaces serine 187 with proline.
Molecular consequence: missense variant. On other transcripts: non-coding transcript variant (2).
Genome position (GRCh38, 1-based): chr3:183,071,290, A>G on the plus strand (T>C on the coding strand, the complement: MCCC1 is on the minus strand). VCF-style: chr3-183071290-A-G. GRCh37 (hg19) VCF-style: chr3-182789078-A-G.
Other names: c.208T>C, p.Ser70Pro (NM_001293273.2); c.232T>C, p.Ser78Pro (NM_001363880.1); short protein forms S187P, S70P, S78P.
Identifiers: ClinVar variation 579181 (VCV000579181.19), dbSNP rs757362635, ClinGen allele CA88717179.